The following is an entry in ClinVar:

NM_004752.4(GCM2):c.852T>C (p.Asn284=)

Gene: GCM2 (glial cells missing transcription factor 2; minus strand). Cytogenetic location: 6p24.2.
Variant type: single nucleotide variant.
Coding change: c.852T>C on transcript NM_004752.4 (MANE Select); coding-DNA position 852, T replaced by C.
Protein change: p.Asn284=; no amino-acid change (asparagine 284 retained).
Molecular consequence: synonymous variant.
Genome position (GRCh38, 1-based): chr6:10,874,664, A>G on the plus strand (T>C on the coding strand, the complement: GCM2 is on the minus strand). VCF-style: chr6-10874664-A-G. GRCh37 (hg19) VCF-style: chr6-10874897-A-G.
Identifiers: ClinVar variation 64543 (VCV000064543.2), dbSNP rs387907428, ClinGen allele CA216371.

ClinVar aggregate classification (germline): Uncertain significance (0 of 4 stars; one submission).

Submission:

Martin Pollak Laboratory,  Beth Israel Deaconess Medical Center
Classification: Uncertain significance. Review status: no assertion criteria provided. Collection method: not provided. Allele origin: unknown.
Comment: Higher UCa2+ group
ClinVar note: Converted during submission from unknown to Uncertain significance.